The following is an entry in ClinVar:

ClinVar aggregate classification (germline): Uncertain significance (1 of 4 stars; one submission).

Allele frequency attached by ClinVar (database versions not stated): gnomAD 0.00003 and 0.00004; TOPMed 0.00005; gnomAD exomes 0.00006; ExAC 0.00008.
gnomAD v4.1: 58 of 1,613,622 alleles (0.0036%); highest among the groups gnomAD compares: South Asian, 0.043%; 1 homozygote.

Submission:

Labcorp Genetics (formerly Invitae), Labcorp
Classification: Uncertain significance. Last evaluated: 2022-08-16. Review status: criteria provided, single submitter. Criteria: Invitae Variant Classification Sherloc (09022015). Collection method: clinical testing. Allele origin: germline.
Comment: This variant has not been reported in the literature in individuals affected with IFT52-related conditions. This variant is present in population databases (rs755525066, gnomAD 0.04%). This sequence change replaces alanine, which is neutral and non-polar, with valine, which is neutral and non-polar, at codon 182 of the IFT52 protein (p.Ala182Val). ClinVar contains an entry for this variant (Variation ID: 1517353). In summary, the available evidence is currently insufficient to determine the role of this variant in disease. Therefore, it has been classified as a Variant of Uncertain Significance. Algorithms developed to predict the effect of missense changes on protein structure and function are either unavailable or do not agree on the potential impact of this missense change (SIFT: "Not Available"; PolyPhen-2: "Benign"; Align-GVGD: "Not Available").

NM_016004.5(IFT52):c.545C>T (p.Ala182Val)

Gene: IFT52 (intraflagellar transport 52; plus strand). Cytogenetic location: 20q13.12.
Variant type: single nucleotide variant.
Coding change: c.545C>T on transcript NM_016004.5 (MANE Select); coding-DNA position 545, C replaced by T.
Protein change: p.Ala182Val; replaces alanine 182 with valine.
Molecular consequence: missense variant. On other transcripts: 5 prime UTR variant (2).
Genome position (GRCh38, 1-based): chr20:43,613,909, C>T. VCF-style: chr20-43613909-C-T. GRCh37 (hg19) VCF-style: chr20-42242549-C-T.
Other names: c.545C>T, p.Ala182Val (NM_001303458.3, NM_001303459.3); c.17C>T, p.Ala6Val (NM_001323578.2, NM_001323580.2); c.-220C>T (NM_001323579.2, NM_001323581.2); short protein forms A6V, A182V.
Identifiers: ClinVar variation 1517353 (VCV001517353.8), dbSNP rs755525066, ClinGen allele CA9866917.